The following is an entry in ClinVar:

ClinVar aggregate classification (germline): Uncertain significance (1 of 4 stars; one submission).

Submission:

Labcorp Genetics (formerly Invitae), Labcorp
Classification: Uncertain significance. Last evaluated: 2025-03-22. Review status: criteria provided, single submitter. Criteria: Invitae Variant Classification Sherloc (09022015). Collection method: clinical testing. Allele origin: germline.
Comment: This sequence change replaces alanine, which is neutral and non-polar, with serine, which is neutral and polar, at codon 236 of the ARHGEF1 protein (p.Ala236Ser). This variant is not present in population databases (gnomAD no frequency). This variant has not been reported in the literature in individuals affected with ARHGEF1-related conditions. An algorithm developed to predict the effect of missense changes on protein structure and function (PolyPhen-2) suggests that this variant is likely to be disruptive. In summary, the available evidence is currently insufficient to determine the role of this variant in disease. Therefore, it has been classified as a Variant of Uncertain Significance.

NM_004706.4(ARHGEF1):c.661G>T (p.Ala221Ser)

Gene: ARHGEF1 (Rho guanine nucleotide exchange factor 1; plus strand). Cytogenetic location: 19q13.2.
Variant type: single nucleotide variant.
Coding change: c.661G>T on transcript NM_004706.4 (MANE Select); coding-DNA position 661, G replaced by T.
Protein change: p.Ala221Ser; replaces alanine 221 with serine.
Molecular consequence: missense variant. On other transcripts: non-coding transcript variant (2).
Genome position (GRCh38, 1-based): chr19:41,894,223, G>T. VCF-style: chr19-41894223-G-T. GRCh37 (hg19) VCF-style: chr19-42398296-G-T.
Other names: c.661G>T, p.Ala221Ser (NM_001396000.1, NM_001396003.1, NM_001396006.1); c.562G>T, p.Ala188Ser (NM_001396002.1, NM_001396004.1, NM_198977.2); c.706G>T, p.Ala236Ser (NM_199002.2); short protein forms A188S, A221S, A236S.
Identifiers: ClinVar variation 4805375 (VCV004805375.1).
Genomic context (GRCh38, chr19:41,894,223, plus strand): 5'-TGTGTCTTTGTGTGTGTTGAGCCCTCACTGTCCCTTCCCTACAGTGCTGCCGTGGTCAAC[G>T]CCATTGGCCTGTACATGCGCCACCTTGGGGTGCGGACCAAGAGTGGAGACAAGAAGTCGG-3'
Protein context (NP_004697.2, residues 211-231): DEEKSAAVVN[Ala221Ser]IGLYMRHLGV